The following is an entry in ClinVar:

NM_176787.5(PIGN):c.905A>T (p.Asp302Val)

Gene: PIGN (phosphatidylinositol glycan anchor biosynthesis class N; minus strand). Cytogenetic location: 18q21.33.
Variant type: single nucleotide variant.
Coding change: c.905A>T on transcript NM_176787.5 (MANE Select); coding-DNA position 905, A replaced by T.
Protein change: p.Asp302Val; replaces aspartic acid 302 with valine.
Molecular consequence: missense variant.
Genome position (GRCh38, 1-based): chr18:62,145,926, T>A on the plus strand (A>T on the coding strand, the complement: PIGN is on the minus strand). VCF-style: chr18-62145926-T-A. GRCh37 (hg19) VCF-style: chr18-59813159-T-A.
Other names: c.905A>T, p.Asp302Val (NM_012327.6); short protein forms D302V.
Identifiers: ClinVar variation 957835 (VCV000957835.9), dbSNP rs1478856956, ClinGen allele CA402600988.

ClinVar aggregate classification (germline): Uncertain significance (1 of 4 stars; one submission).

Conditions:
Multiple congenital anomalies-hypotonia-seizures syndrome 1 (MCAHS1). Also called: PIGN-CDG; Congenital disorder of glycosylation due to PIGN deficiency; GLYCOSYLPHOSPHATIDYLINOSITOL BIOSYNTHESIS DEFECT 3. Identifiers: Orphanet 280633, MedGen C3279775, MONDO:0013563, OMIM 614080.

Allele frequency attached by ClinVar (database versions not stated): TOPMed below 0.00001.

Submission:

Labcorp Genetics (formerly Invitae), Labcorp
Classification: Uncertain significance for Multiple congenital anomalies-hypotonia-seizures syndrome 1. Last evaluated: 2020-02-07. Review status: criteria provided, single submitter. Criteria: Invitae Variant Classification Sherloc (09022015). Collection method: clinical testing. Allele origin: germline.
Comment: This sequence change replaces aspartic acid with valine at codon 302 of the PIGN protein (p.Asp302Val). The aspartic acid residue is weakly conserved and there is a large physicochemical difference between aspartic acid and valine. This variant is not present in population databases (ExAC no frequency). This variant has not been reported in the literature in individuals with PIGN-related conditions. Algorithms developed to predict the effect of missense changes on protein structure and function (SIFT, PolyPhen-2, Align-GVGD) all suggest that this variant is likely to be tolerated, but these predictions have not been confirmed by published functional studies and their clinical significance is uncertain. In summary, the available evidence is currently insufficient to determine the role of this variant in disease. Therefore, it has been classified as a Variant of Uncertain Significance.